The following is an entry in ClinVar:

ClinVar aggregate classification (germline): Uncertain significance (1 of 4 stars; one submission).

gnomAD v4.1: 22 of 1,614,008 alleles (0.0014%); highest among the groups gnomAD compares: Middle Eastern, 0.016%; no homozygotes.

Submission:

Labcorp Genetics (formerly Invitae), Labcorp
Classification: Uncertain significance. Last evaluated: 2025-10-19. Review status: criteria provided, single submitter. Criteria: Invitae Variant Classification Sherloc (09022015). Collection method: clinical testing. Allele origin: germline.
Comment: This sequence change replaces arginine, which is basic and polar, with glutamine, which is neutral and polar, at codon 388 of the TNS2 protein (p.Arg388Gln). This variant is present in population databases (rs770007326, gnomAD 0.003%). This variant has not been reported in the literature in individuals affected with TNS2-related conditions. An algorithm developed to predict the effect of missense changes on protein structure and function (PolyPhen-2) suggests that this variant is likely to be disruptive. In summary, the available evidence is currently insufficient to determine the role of this variant in disease. Therefore, it has been classified as a Variant of Uncertain Significance.

NM_170754.4(TNS2):c.1133G>A (p.Arg378Gln)

Gene: TNS2 (tensin 2; plus strand). Cytogenetic location: 12q13.13.
Variant type: single nucleotide variant.
Coding change: c.1133G>A on transcript NM_170754.4 (MANE Select); coding-DNA position 1133, G replaced by A.
Protein change: p.Arg378Gln; replaces arginine 378 with glutamine.
Molecular consequence: missense variant.
Genome position (GRCh38, 1-based): chr12:53,058,353, G>A. VCF-style: chr12-53058353-G-A. GRCh37 (hg19) VCF-style: chr12-53452137-G-A.
Other names: c.1133G>A, p.Arg378Gln (NM_001416202.1, NM_001416204.1); c.1064G>A, p.Arg355Gln (NM_001416203.1, NM_015319.3); c.761G>A, p.Arg254Gln (NM_198316.2); short protein forms R254Q, R355Q, R378Q.
Identifiers: ClinVar variation 4695658 (VCV004695658.1).